The following is an entry in ClinVar:

ClinVar aggregate classification (germline): Uncertain significance (1 of 4 stars; one submission).

Submission:

CeGaT Center for Human Genetics Tuebingen
Classification: Uncertain significance. Last evaluated: 2024-12-01. Review status: criteria provided, single submitter. Criteria: CeGaT Center For Human Genetics Tuebingen Variant Classification Criteria Version 2. Collection method: clinical testing. Allele origin: germline. Affected: yes. Observed: 1 variant allele.
Comment: SIN3A: PM2

NM_001145358.2(SIN3A):c.3790G>A (p.Val1264Ile)

Gene: SIN3A (SIN3 transcription regulator family member A; minus strand). Cytogenetic location: 15q24.2.
Variant type: single nucleotide variant.
Coding change: c.3790G>A on transcript NM_001145358.2 (MANE Select); coding-DNA position 3790, G replaced by A.
Protein change: p.Val1264Ile; replaces valine 1264 with isoleucine.
Molecular consequence: missense variant.
Genome position (GRCh38, 1-based): chr15:75,372,011, C>T on the plus strand (G>A on the coding strand, the complement: SIN3A is on the minus strand). VCF-style: chr15-75372011-C-T. GRCh37 (hg19) VCF-style: chr15-75664352-C-T.
Other names: c.3790G>A, p.Val1264Ile (NM_001145357.2, NM_015477.3); short protein forms V1264I.
Identifiers: ClinVar variation 3771917 (VCV003771917.13).